The following is an entry in ClinVar:

ClinVar aggregate classification (germline): Uncertain significance. Review status: criteria provided, multiple submitters, no conflicts (2 of 4 stars). 3 submissions from 3 submitters: Uncertain significance (3). Last evaluated 2025-10-18.

Conditions:
Inborn genetic diseases. Identifiers: MedGen C0950123, MeSH D030342.

Allele frequency attached by ClinVar (database versions not stated): TOPMed below 0.00001; gnomAD exomes 0.00001; ExAC 0.00002.

Submissions (3):

Ambry Genetics
Classification: Uncertain significance for Inborn genetic diseases. Last evaluated: 2025-10-18. Review status: criteria provided, single submitter. Criteria: Ambry Variant Classification Scheme 2023. Collection method: clinical testing. Allele origin: germline.

GeneDx
Classification: Uncertain significance. Last evaluated: 2024-12-17. Review status: criteria provided, single submitter. Criteria: GeneDx Variant Classification Process June 2021. Collection method: clinical testing. Allele origin: germline. Affected: yes.
Comment: In silico analysis supports that this missense variant has a deleterious effect on protein structure/function; Has not been previously published as pathogenic or benign to our knowledge

Labcorp Genetics (formerly Invitae), Labcorp
Classification: Uncertain significance. Last evaluated: 2024-12-03. Review status: criteria provided, single submitter. Criteria: Invitae Variant Classification Sherloc (09022015). Collection method: clinical testing. Allele origin: germline.
Comment: This sequence change replaces methionine, which is neutral and non-polar, with valine, which is neutral and non-polar, at codon 183 of the EIF2B5 protein (p.Met183Val). This variant is present in population databases (rs776464659, gnomAD 0.02%). This variant has not been reported in the literature in individuals affected with EIF2B5-related conditions. ClinVar contains an entry for this variant (Variation ID: 2156204). Invitae Evidence Modeling of protein sequence and biophysical properties (such as structural, functional, and spatial information, amino acid conservation, physicochemical variation, residue mobility, and thermodynamic stability) indicates that this missense variant is not expected to disrupt EIF2B5 protein function with a negative predictive value of 80%. In summary, the available evidence is currently insufficient to determine the role of this variant in disease. Therefore, it has been classified as a Variant of Uncertain Significance.

NM_003907.3(EIF2B5):c.547A>G (p.Met183Val)

Gene: EIF2B5 (eukaryotic translation initiation factor 2B subunit epsilon; plus strand). Cytogenetic location: 3q27.1.
Variant type: single nucleotide variant.
Coding change: c.547A>G on transcript NM_003907.3 (MANE Select); coding-DNA position 547, A replaced by G.
Protein change: p.Met183Val; replaces methionine 183 with valine.
Molecular consequence: missense variant.
Genome position (GRCh38, 1-based): chr3:184,137,938, A>G. VCF-style: chr3-184137938-A-G. GRCh37 (hg19) VCF-style: chr3-183855726-A-G.
Other names: c.547A>G (NM_003907.2); short protein forms M183V.
Identifiers: ClinVar variation 2156204 (VCV002156204.5), dbSNP rs776464659, ClinGen allele CA2726419.